The following is an entry in ClinVar:

ClinVar aggregate classification (germline): Likely benign. Review status: criteria provided, multiple submitters, no conflicts (2 of 4 stars). 2 submissions from 2 submitters: Likely benign (2). Last evaluated 2025-11-12.

Conditions:
Intellectual disability. Also called: Intellectual functioning disability; intellectual disabilities; Intellectual developmental disorder. Identifiers: MedGen C3714756, MeSH D008607, MONDO:0001071, HP:0001249.

Allele frequency attached by ClinVar (database versions not stated): ExAC 0.00001; TOPMed 0.00005; gnomAD 0.00005; gnomAD exomes 0.00001.
gnomAD v4.1: 19 of 1,614,112 alleles (0.0012%); highest among the groups gnomAD compares: African/African-American, 0.023%; no homozygotes.

Submissions (2):

Labcorp Genetics (formerly Invitae), Labcorp
Classification: Likely benign for Intellectual disability. Last evaluated: 2025-11-12. Review status: criteria provided, single submitter. Criteria: Invitae Variant Classification Sherloc (09022015). Collection method: clinical testing. Allele origin: germline.

GeneDx
Classification: Likely benign. Last evaluated: 2016-08-04. Review status: criteria provided, single submitter. Criteria: GeneDx Variant Classification (06012015). Collection method: clinical testing. Allele origin: germline. Affected: yes.
Comment: This variant is considered likely benign or benign based on one or more of the following criteria: it is a conservative change, it occurs at a poorly conserved position in the protein, it is predicted to be benign by multiple in silico algorithms, and/or has population frequency not consistent with disease.

NM_001371727.1(GABRB2):c.1063C>T (p.Leu355=)

Gene: GABRB2 (gamma-aminobutyric acid type A receptor subunit beta2; minus strand). Cytogenetic location: 5q34.
Variant type: single nucleotide variant.
Coding change: c.1063C>T on transcript NM_001371727.1 (MANE Select); coding-DNA position 1063, C replaced by T.
Protein change: p.Leu355=; no amino-acid change (leucine 355 retained).
Molecular consequence: synonymous variant.
Genome position (GRCh38, 1-based): chr5:161,330,897, G>A on the plus strand (C>T on the coding strand, the complement: GABRB2 is on the minus strand). VCF-style: chr5-161330897-G-A. GRCh37 (hg19) VCF-style: chr5-160757904-G-A.
Other names: c.1063C>T, p.Leu355= (NM_000813.3, NM_021911.3).
Identifiers: ClinVar variation 388338 (VCV000388338.9), dbSNP rs764159075, ClinGen allele CA3543434.
Genomic context (GRCh38, chr5:161,330,897, plus strand): 5'-CTTCCATGAGTTTAAGAAGCAAGGAGGGCTTGCCCTCTGAATTTACCTTGTTGACATCCA[G>A]GCGCATCTTCTCATTGTTGGCACTGGCAGCCTTCTCAGCTGCTTTCTTTTGGCGTTGGGG-3'
Protein context (NP_001358656.1, residues 345-365): AASANNEKMR[Leu355=]DVNKIFYKDI